The following is an entry in ClinVar:

ClinVar aggregate classification (germline): Likely pathogenic (1 of 4 stars; one submission).

Conditions:
Osteogenesis imperfecta type I (OI1). Also called: Lobstein's Disease; OI, TYPE I; OSTEOGENESIS IMPERFECTA TARDA; OSTEOGENESIS IMPERFECTA WITH BLUE SCLERAE; Lobstein disease; Osteogenesis imperfecta type 1. Identifiers: Orphanet 216796, Orphanet 666, MedGen C0023931, MONDO:0008146, OMIM 166200. Disease mechanism: loss of function.

Submission:

Labcorp Genetics (formerly Invitae), Labcorp
Classification: Likely pathogenic for Osteogenesis imperfecta type I. Last evaluated: 2022-04-15. Review status: criteria provided, single submitter. Criteria: Invitae Variant Classification Sherloc (09022015). Collection method: clinical testing. Allele origin: germline.
Comment: This sequence change replaces glycine, which is neutral and non-polar, with alanine, which is neutral and non-polar, at codon 683 of the COL1A1 protein (p.Gly683Ala). This variant is not present in population databases (gnomAD no frequency). This variant has not been reported in the literature in individuals affected with COL1A1-related conditions. ClinVar contains an entry for this variant (Variation ID: 962939). Advanced modeling of protein sequence and biophysical properties (such as structural, functional, and spatial information, amino acid conservation, physicochemical variation, residue mobility, and thermodynamic stability) performed at Invitae indicates that this missense variant is expected to disrupt COL1A1 protein function. This variant disrupts the triple helix domain of COL1A1. Glycine residues within the Gly-Xaa-Yaa repeats of the triple helix domain are required for the structure and stability of fibrillar collagens (PMID: 7695699, 8218237, 19344236). In COL1A1, variants affecting these glycine residues are significantly enriched in individuals with disease (PMID: 9016532, 17078022) compared to the general population (ExAC). In summary, the currently available evidence indicates that the variant is pathogenic, but additional data are needed to prove that conclusively. Therefore, this variant has been classified as Likely Pathogenic.

Literature cited by the submitters: PubMed 7695699; PubMed 8218237; PubMed 19344236; PubMed 9016532; PubMed 17078022.

NM_000088.4(COL1A1):c.2048G>C (p.Gly683Ala)

Gene: COL1A1 (collagen type I alpha 1 chain; minus strand). Cytogenetic location: 17q21.33.
Variant type: single nucleotide variant.
Coding change: c.2048G>C on transcript NM_000088.4 (MANE Select); coding-DNA position 2048, G replaced by C.
Protein change: p.Gly683Ala; replaces glycine 683 with alanine.
Molecular consequence: missense variant.
Genome position (GRCh38, 1-based): chr17:50,191,867, C>G on the plus strand (G>C on the coding strand, the complement: COL1A1 is on the minus strand). VCF-style: chr17-50191867-C-G. GRCh37 (hg19) VCF-style: chr17-48269228-C-G.
Other names: short protein forms G683A.
Identifiers: ClinVar variation 962939 (VCV000962939.10), dbSNP rs1598292524, ClinGen allele CA400211961.
Genomic context (GRCh38, chr17:50,191,867, plus strand): 5'-GGAGCACCGTTGGCCCCTCGGGGACCAGCAGGACCAGGGGGACCTTGCACACCACGCTCG[C>G]CAGGGAAACCTCTCTCGCCCTAGAAGGGAAGGACAGGGCATGTGAAGGCTGCTCTGGAGA-3'
Protein context (NP_000079.2, residues 673-693): SGARGERGFP[Gly683Ala]ERGVQGPPGP